The following is an entry in ClinVar:

NM_005245.4(FAT1):c.5437G>A (p.Glu1813Lys)

Gene: FAT1 (FAT atypical cadherin 1; minus strand). Cytogenetic location: 4q35.2.
Variant type: single nucleotide variant.
Coding change: c.5437G>A on transcript NM_005245.4 (MANE Select); coding-DNA position 5437, G replaced by A.
Protein change: p.Glu1813Lys; replaces glutamic acid 1813 with lysine.
Molecular consequence: missense variant.
Genome position (GRCh38, 1-based): chr4:186,621,149, C>T on the plus strand (G>A on the coding strand, the complement: FAT1 is on the minus strand). VCF-style: chr4-186621149-C-T. GRCh37 (hg19) VCF-style: chr4-187542303-C-T.
Other names: short protein forms E1813K.
Identifiers: ClinVar variation 3030263 (VCV003030263.2), dbSNP rs1740025957, ClinGen allele CA358972523.
Genomic context (GRCh38, chr4:186,621,149, plus strand): 5'-GTACTGTATGAATAGCACCAGTGCTAGAATCAATAGCAAAATATGTGTGTACAGATGGTT[C>T]AACAATGTGATATACAAGCAAAGCATTTGAGTCTTTATCAGCATCAGCTGCTCGAATCAC-3'
Protein context (NP_005236.2, residues 1803-1823): SNALLVYHIV[Glu1813Lys]PSVHTYFAID

ClinVar aggregate classification (germline): Uncertain significance (0 of 4 stars; one submission).

Conditions:
FAT1-related disorder. Also called: FAT1-related condition.

Allele frequency attached by ClinVar (database versions not stated): gnomAD exomes 0.00001; TOPMed 0.00001.
gnomAD v4.1: 14 of 1,613,876 alleles (0.00087%); highest among the groups gnomAD compares: Non-Finnish European, 0.0012%; no homozygotes.

Submission:

PreventionGenetics, part of Exact Sciences
Classification: Uncertain significance for FAT1-related condition. Last evaluated: 2023-12-01. Review status: no assertion criteria provided. Collection method: clinical testing. Allele origin: germline.
Comment: The FAT1 c.5437G>A variant is predicted to result in the amino acid substitution p.Glu1813Lys. To our knowledge, this variant has not been reported in the literature or in a large population database, indicating this variant is rare. At this time, the clinical significance of this variant is uncertain due to the absence of conclusive functional and genetic evidence.